The following is an entry in ClinVar:

NM_000081.4(LYST):c.9926-57A>G

Genes: LYST (lysosomal trafficking regulator; minus strand), LOC126806063 (MED14-independent group 3 enhancer GRCh37_chr1:235871544-235872743; plus strand). Cytogenetic location: 1q42.3.
Variant type: single nucleotide variant.
Coding change: c.9926-57A>G on transcript NM_000081.4 (MANE Select); 57 bases into the intron before coding-DNA position 9926, A replaced by G.
Molecular consequence: intron variant.
Genome position (GRCh38, 1-based): chr1:235,709,365, T>C on the plus strand (A>G on the coding strand, the complement: LYST is on the minus strand). VCF-style: chr1-235709365-T-C. GRCh37 (hg19) VCF-style: chr1-235872665-T-C.
Other names: c.9926-57A>G (NM_001301365.1).
Identifiers: ClinVar variation 684363 (VCV000684363.4), dbSNP rs2275856, ClinGen allele CA10979689.

ClinVar aggregate classification (germline): Benign. Review status: criteria provided, multiple submitters, no conflicts (2 of 4 stars). 3 submissions from 3 submitters: Benign (3). Last evaluated 2023-11-12.

Allele frequency attached by ClinVar (database versions not stated): gnomAD exomes 0.39200; 1000 Genomes Project 0.41374; 1000 Genomes Project 30x 0.43098; gnomAD 0.50150 and 0.52140; TOPMed 0.51038.
gnomAD v4.1: 552,016 of 1,366,390 alleles (40%); highest among the groups gnomAD compares: African/African-American, 83%; 122,664 homozygotes.

Submissions (3):

Unidad de Genómica Garrahan, Hospital de Pediatría Garrahan
Classification: Benign. Last evaluated: 2023-11-12. Review status: criteria provided, single submitter. Criteria: ACMG Guidelines, 2015. Collection method: clinical testing. Allele origin: germline. Affected: no. Observed: 42 variant alleles.
Comment: This variant is classified as Benign based on local population frequency. This variant was detected in 44% of patients studied by a panel of primary immunodeficiencies. Number of patients: 42. Only high quality variants are reported.

GeneDx
Classification: Benign. Last evaluated: 2018-06-19. Review status: criteria provided, single submitter. Criteria: GeneDx Variant Classification (06012015). Collection method: clinical testing. Allele origin: germline. Affected: yes.
Comment: This variant is considered likely benign or benign based on one or more of the following criteria: it is a conservative change, it occurs at a poorly conserved position in the protein, it is predicted to be benign by multiple in silico algorithms, and/or has population frequency not consistent with disease.

Breakthrough Genomics
Classification: Benign. Review status: criteria provided, single submitter. Criteria: ACMG Guidelines, 2015. Collection method: not provided. Allele origin: germline. Inheritance: Autosomal recessive inheritance. Affected: yes.